The following is an entry in ClinVar:

ClinVar aggregate classification (germline): Conflicting classifications of pathogenicity. Review status: criteria provided, conflicting classifications (1 of 4 stars). 2 submissions from 2 submitters: Uncertain significance (1); Benign (1). Last evaluated 2019-02-20.

Conditions:
Monilethrix. Also called: Beaded hair. Identifiers: Orphanet 573, MedGen C0546966, MONDO:0008009, HP:0032470.

Allele frequency attached by ClinVar (database versions not stated): gnomAD 0.00005 and 0.00008; TOPMed 0.00009; gnomAD exomes 0.00014 and 0.00022; ExAC 0.00024.
gnomAD v4.1: 233 of 1,614,060 alleles (0.014%); highest among the groups gnomAD compares: Middle Eastern, 0.33%; 1 homozygote.

Submissions (2):

Centre for Mendelian Genomics, University Medical Centre Ljubljana
Classification: Uncertain significance for MONILETHRIX 1. Last evaluated: 2019-02-20. Review status: criteria provided, single submitter. Criteria: ACMG Guidelines, 2015. Collection method: clinical testing. Allele origin: unknown. Affected: yes.
Comment: This variant was classified as: Uncertain significance. The available evidence on this variant's pathogenicity is insufficient or conflicting. The following ACMG criteria were applied in classifying this variant: PP3.

Illumina Laboratory Services, Illumina
Classification: Benign for MONILETHRIX 1. Last evaluated: 2018-01-13. Review status: criteria provided, single submitter. Criteria: ICSL Variant Classification Criteria 13 December 2019. Collection method: clinical testing. Allele origin: germline.
Comment: This variant was observed in the ICSL laboratory as part of a predisposition screen in an ostensibly healthy population. It had not been previously curated by ICSL or reported in the Human Gene Mutation Database (HGMD: prior to June 1st, 2018), and was therefore a candidate for classification through an automated scoring system. Utilizing variant allele frequency, disease prevalence and penetrance estimates, and inheritance mode, an automated score was calculated to assess if this variant is too frequent to cause the disease. Based on the score and internal cut-off values, a variant classified as benign is not then subjected to further curation. The score for this variant resulted in a classification of benign for this disease.

NM_002282.3(KRT83):c.828G>A (p.Met276Ile)

Gene: KRT83 (keratin 83; minus strand). Cytogenetic location: 12q13.13.
Variant type: single nucleotide variant.
Coding change: c.828G>A on transcript NM_002282.3 (MANE Select); coding-DNA position 828, G replaced by A.
Protein change: p.Met276Ile; replaces methionine 276 with isoleucine.
Molecular consequence: missense variant.
Genome position (GRCh38, 1-based): chr12:52,316,946, C>T on the plus strand (G>A on the coding strand, the complement: KRT83 is on the minus strand). VCF-style: chr12-52316946-C-T. GRCh37 (hg19) VCF-style: chr12-52710730-C-T.
Other names: short protein forms M276I.
Identifiers: ClinVar variation 880709 (VCV000880709.8), dbSNP rs200274404, ClinGen allele CA6577508.
Genomic context (GRCh38, chr12:52,316,946, plus strand): 5'-AGCCCGGCTACGGGTGGCAATGTCATCATACTGTGCCTTGATCTCGGCAACGATGCAGTC[C>T]ATGTTCAGGTCCCGGCTGTTGTCCAGCTTGACAACCACGGAGGTGTCTGAGATGTGGGAT-3'
Protein context (NP_002273.3, residues 266-286): VKLDNSRDLN[Met276Ile]DCIVAEIKAQ